The following is an entry in ClinVar:

NM_001367823.1(ARHGEF18):c.3507C>G (p.Ser1169Arg)

Gene: ARHGEF18 (Rho/Rac guanine nucleotide exchange factor 18; plus strand). Cytogenetic location: 19p13.2.
Variant type: single nucleotide variant.
Coding change: c.3507C>G on transcript NM_001367823.1 (MANE Select); coding-DNA position 3507, C replaced by G.
Protein change: p.Ser1169Arg; replaces serine 1169 with arginine.
Molecular consequence: missense variant.
Genome position (GRCh38, 1-based): chr19:7,468,851, C>G. VCF-style: chr19-7468851-C-G. GRCh37 (hg19) VCF-style: chr19-7533737-C-G.
Other names: c.2781C>G, p.Ser927Arg (NM_001130955.2); c.2469C>G, p.Ser823Arg (NM_001367824.1, NM_015318.4); short protein forms S1169R, S823R, S927R.
Identifiers: ClinVar variation 1002210 (VCV001002210.4), dbSNP rs199871537, ClinGen allele CA9137159.

ClinVar aggregate classification (germline): Uncertain significance (1 of 4 stars; one submission).

Allele frequency attached by ClinVar (database versions not stated): ExAC below 0.00001; gnomAD exomes 0.00001 and 0.00002; gnomAD 0.00015 and 0.00016; 1000 Genomes Project 30x 0.00016; ESP Exome Variant Server 0.00016; TOPMed 0.00017.
gnomAD v4.1: 40 of 1,566,606 alleles (0.0026%); highest among the groups gnomAD compares: African/African-American, 0.049%; no homozygotes.

Submission:

Labcorp Genetics (formerly Invitae), Labcorp
Classification: Uncertain significance. Last evaluated: 2022-09-19. Review status: criteria provided, single submitter. Criteria: Invitae Variant Classification Sherloc (09022015). Collection method: clinical testing. Allele origin: germline.
Comment: This sequence change replaces serine, which is neutral and polar, with arginine, which is basic and polar, at codon 981 of the ARHGEF18 protein (p.Ser981Arg). This variant is present in population databases (rs199871537, gnomAD 0.04%). This variant has not been reported in the literature in individuals affected with ARHGEF18-related conditions. ClinVar contains an entry for this variant (Variation ID: 1002210). Algorithms developed to predict the effect of missense changes on protein structure and function are either unavailable or do not agree on the potential impact of this missense change (SIFT: "Deleterious"; PolyPhen-2: "Benign"; Align-GVGD: "Class C25"). Algorithms developed to predict the effect of sequence changes on RNA splicing suggest that this variant may create or strengthen a splice site. In summary, the available evidence is currently insufficient to determine the role of this variant in disease. Therefore, it has been classified as a Variant of Uncertain Significance.